The following is an entry in ClinVar:

ClinVar aggregate classification (germline): Likely pathogenic (1 of 4 stars; one submission).

Conditions:
Wilson disease (WND). Also called: Wilson's disease. Identifiers: Orphanet 905, MedGen C0019202, MONDO:0010200, OMIM 277900. Disease mechanism: loss of function.

Submission:

Myriad Genetics, Inc.
Classification: Likely pathogenic for Wilson disease. Last evaluated: 2022-03-29. Review status: criteria provided, single submitter. Criteria: Myriad Women's Health Autosomal Recessive and X-Linked Classification Criteria (2021). Collection method: clinical testing. Allele origin: unknown.
Comment: NM_000053.3(ATP7B):c.3782_3791del10(K1261Rfs*66) is expected to be pathogenic in the context of Wilson disease. This variant is predicted to lead to an abnormal or absent protein product due to the creation of a premature termination codon in ATP7B, a gene where loss-of-function variants are known to be pathogenic. Please note: this variant was assessed in the context of healthy population screening.

NM_000053.4(ATP7B):c.3782_3791del (p.Lys1261fs)

Gene: ATP7B (ATPase copper transporting beta; minus strand). Cytogenetic location: 13q14.3.
Variant type: Deletion.
Coding change: c.3782_3791del on transcript NM_000053.4 (MANE Select); coding-DNA positions 3782 to 3791, 10 bases deleted (AAGTCGCCAT; older notation c.3782_3791delAAGTCGCCAT).
Protein change: p.Lys1261fs; shifts the reading frame from lysine 1261.
Molecular consequence: frameshift variant.
Genome position (GRCh38, 1-based): chr13:51,937,588-51,937,597, ATGGCGACTT deleted on the plus strand (AAGTCGCCAT on the coding strand, the reverse complement: ATP7B is on the minus strand). VCF-style (leftmost placement, unchanged base first): chr13-51937587-CATGGCGACTT-C. GRCh37 (hg19) VCF-style: chr13-52511723-CATGGCGACTT-C.
Other names: c.3161_3170del, p.Lys1054fs (NM_001005918.3); c.3449_3458del, p.Lys1150fs (NM_001243182.2); c.3548_3557del, p.Lys1183fs (NM_001330578.2); c.3530_3539del, p.Lys1177fs (NM_001330579.2); c.3782_3791delAAGTCGCCAT, p.Lys1261Argfs (NM_001406511.1, NM_001406512.1); c.3776_3785delAAGTCGCCAT, p.Lys1259Argfs (NM_001406513.1); c.3749_3758delAAGTCGCCAT, p.Lys1250Argfs (NM_001406514.1); c.3728_3737delAAGTCGCCAT, p.Lys1243Argfs (NM_001406515.1, NM_001406516.1); and 22 more; short protein forms K1054fs, K1150fs, K1177fs, K1183fs, K1261fs.
Identifiers: ClinVar variation 1725525 (VCV001725525.2), dbSNP rs2547568707, ClinGen allele CA2580087712.
Genomic context (GRCh38, chr13:51,937,587, plus strand): 5'-AATGGCCACACCCATGTCTGCCTGGGCCAAGGCCGGGGAGTCATTGACCCCATCCCCCAC[CATGGCGACTT>C]TCTTCCCTTTATTCTGGAGCTCCTGGACCTTGGCCACCTTGTGCGAAGGCAGCACCTCTG-3'